The following is an entry in ClinVar:

ClinVar aggregate classification (germline): Uncertain significance. Review status: criteria provided, multiple submitters, no conflicts (2 of 4 stars). 2 submissions from 2 submitters: Uncertain significance (2). Last evaluated 2025-07-25.

Conditions:
Familial adenomatous polyposis 1 (FAP1). Also called: POLYPOSIS, ADENOMATOUS INTESTINAL; FAMILIAL ADENOMATOUS POLYPOSIS 1, ATTENUATED. Identifiers: MedGen C2713442, MONDO:0021056, OMIM 175100. Disease mechanism: loss of function.
Hereditary cancer-predisposing syndrome. Also called: Neoplastic Syndromes, Hereditary; Hereditary neoplastic syndrome; Tumor predisposition; Hereditary Cancer Syndrome. Identifiers: Orphanet 140162, MedGen C0027672, MeSH D009386, MONDO:0015356.

gnomAD v4.1: 1 of 1,614,066 alleles (0.000062%); no homozygotes.

Submissions (2):

Ambry Genetics
Classification: Uncertain significance for Hereditary cancer-predisposing syndrome. Last evaluated: 2025-07-25. Review status: criteria provided, single submitter. Criteria: Ambry Variant Classification Scheme 2023. Collection method: clinical testing. Allele origin: germline.
Comment: The p.R2055G variant (also known as c.6163A>G), located in coding exon 15 of the APC gene, results from an A to G substitution at nucleotide position 6163. The arginine at codon 2055 is replaced by glycine, an amino acid with dissimilar properties. This amino acid position is conserved. In addition, in silico predictors for this gene do not accurately predict pathogenicity. Based on the available evidence, the clinical significance of this variant remains unclear.

Labcorp Genetics (formerly Invitae), Labcorp
Classification: Uncertain significance for Familial adenomatous polyposis 1. Last evaluated: 2023-05-21. Review status: criteria provided, single submitter. Criteria: Invitae Variant Classification Sherloc (09022015). Collection method: clinical testing. Allele origin: germline.
Comment: This variant is not present in population databases (gnomAD no frequency). This variant has not been reported in the literature in individuals affected with APC-related conditions. This sequence change replaces arginine, which is basic and polar, with glycine, which is neutral and non-polar, at codon 2055 of the APC protein (p.Arg2055Gly). In summary, the available evidence is currently insufficient to determine the role of this variant in disease. Therefore, it has been classified as a Variant of Uncertain Significance. Advanced modeling of protein sequence and biophysical properties (such as structural, functional, and spatial information, amino acid conservation, physicochemical variation, residue mobility, and thermodynamic stability) performed at Invitae indicates that this missense variant is not expected to disrupt APC protein function.

NM_000038.6(APC):c.6163A>G (p.Arg2055Gly)

Gene: APC (APC regulator of Wnt signaling pathway; plus strand). Cytogenetic location: 5q22.2.
Variant type: single nucleotide variant.
Coding change: c.6163A>G on transcript NM_000038.6 (MANE Select); coding-DNA position 6163, A replaced by G.
Protein change: p.Arg2055Gly; replaces arginine 2055 with glycine.
Molecular consequence: missense variant. On other transcripts: non-coding transcript variant (2).
Genome position (GRCh38, 1-based): chr5:112,841,757, A>G. VCF-style: chr5-112841757-A-G. GRCh37 (hg19) VCF-style: chr5-112177454-A-G.
Other names: c.5890A>G, p.Arg1964Gly (NM_001354902.2); c.5860A>G, p.Arg1954Gly (NM_001354903.2, NM_001407458.1, NM_001407459.1 and 1 more transcripts); c.5785A>G, p.Arg1929Gly (NM_001354904.2); c.5683A>G, p.Arg1895Gly (NM_001354905.2); c.5314A>G, p.Arg1772Gly (NM_001354906.2, NM_001407470.1); c.6217A>G, p.Arg2073Gly (NM_001407447.1, NM_001407448.1, NM_001407449.1 and 1 more transcripts); c.6247A>G, p.Arg2083Gly (NM_001407446.1); c.6163A>G, p.Arg2055Gly (NM_001407450.1, NM_001127510.3, NM_001354895.2); and 12 more; short protein forms R1671G, R1926G, R1954G, R1964G, R1996G, R2037G, R2055G, R2073G.
Identifiers: ClinVar variation 2825654 (VCV002825654.4), dbSNP rs2149958607, ClinGen allele CA16034826.